The following is an entry in ClinVar:

ClinVar aggregate classification (germline): Uncertain significance (1 of 4 stars; one submission).

Conditions:
Cardiovascular phenotype. Identifiers: MedGen CN230736.

gnomAD v4.1: 5 of 1,614,012 alleles (0.00031%); highest among the groups gnomAD compares: South Asian, 0.0022%; no homozygotes.

Submission:

Ambry Genetics
Classification: Uncertain significance for Cardiovascular phenotype. Last evaluated: 2025-03-23. Review status: criteria provided, single submitter. Criteria: Ambry Variant Classification Scheme 2023. Collection method: clinical testing. Allele origin: germline.
Comment: The p.P105S variant (also known as c.313C>T), located in coding exon 2 of the CAV3 gene, results from a C to T substitution at nucleotide position 313. The proline at codon 105 is replaced by serine, an amino acid with similar properties. This amino acid position is conserved. In addition, this alteration is predicted to be deleterious by in silico analysis. Based on the available evidence, the clinical significance of this variant remains unclear.

NM_033337.3(CAV3):c.313C>T (p.Pro105Ser)

Genes: CAV3 (caveolin 3; plus strand), OXTR (oxytocin receptor; minus strand). Cytogenetic location: 3p25.3.
Variant type: single nucleotide variant.
Coding change: c.313C>T on transcript NM_033337.3 (MANE Select); coding-DNA position 313, C replaced by T.
Protein change: p.Pro105Ser; replaces proline 105 with serine.
Molecular consequence: missense variant.
Genome position (GRCh38, 1-based): chr3:8,745,724, C>T. VCF-style: chr3-8745724-C-T. GRCh37 (hg19) VCF-style: chr3-8787410-C-T.
Other names: c.313C>T, p.Pro105Ser (NM_001234.5); short protein forms P105S.
Identifiers: ClinVar variation 3995911 (VCV003995911.1).
Genomic context (GRCh38, chr3:8,745,724, plus strand): 5'-GCCCTGCTCTGGGGCTTCCTGTTCGCCTGCATCTCCTTCTGCCACATCTGGGCGGTGGTG[C>T]CATGCATTAAGAGCTACCTGATCGAGATCCAGTGCATCAGCCACATCTACTCACTCTGCA-3'
Protein context (NP_203123.1, residues 95-115): ISFCHIWAVV[Pro105Ser]CIKSYLIEIQ